The following is an entry in ClinVar:

NM_020745.4(AARS2):c.2871A>G (p.Ser957=)

Gene: AARS2 (alanyl-tRNA synthetase 2, mitochondrial; minus strand). Cytogenetic location: 6p21.1.
Variant type: single nucleotide variant.
Coding change: c.2871A>G on transcript NM_020745.4 (MANE Select); coding-DNA position 2871, A replaced by G.
Protein change: p.Ser957=; no amino-acid change (serine 957 retained).
Molecular consequence: synonymous variant.
Genome position (GRCh38, 1-based): chr6:44,300,634, T>C on the plus strand (A>G on the coding strand, the complement: AARS2 is on the minus strand). VCF-style: chr6-44300634-T-C. GRCh37 (hg19) VCF-style: chr6-44268371-T-C.
Identifiers: ClinVar variation 357055 (VCV000357055.22), dbSNP rs325008, ClinGen allele CA3833816.
Genomic context (GRCh38, chr6:44,300,634, plus strand): 5'-GGCTATACTGAGGGCAGCTTCCAGGTCAGTAGTGCTTCCGGTGCCTTGGGCCACCACTCG[T>C]GAGCCCCACGCCTTGCCCCCCATGTGGCTGCACACTGCCAGTGCCCAGGCCTCTGCTGTG-3'
Protein context (NP_065796.2, residues 947-967): CSHMGGKAWG[Ser957=]RVVAQGTGST

ClinVar aggregate classification (germline): Benign. Review status: criteria provided, multiple submitters, no conflicts (2 of 4 stars). 7 submissions from 6 submitters: Benign (6). 1 of the submissions does not count toward it. Last evaluated 2026-02-03.

Conditions:
Combined oxidative phosphorylation defect type 8. Also called: CARDIOMYOPATHY, HYPERTROPHIC MITOCHONDRIAL, FATAL INFANTILE. Identifiers: Orphanet 319504, MedGen C4518839, MONDO:0013570, OMIM 614096.
Leukoencephalopathy, progressive, with ovarian failure (LKENP). Identifiers: Orphanet 99853, MedGen C4014588, MONDO:0014387, OMIM 615889.

Allele frequency attached by ClinVar (database versions not stated): gnomAD 0.88502 and 0.87930; ExAC 0.94260; gnomAD exomes 0.94850 and 0.96302; 1000 Genomes Project 30x 0.86415; 1000 Genomes Project 0.86941; ESP Exome Variant Server 0.87114; TOPMed 0.87137.
gnomAD v4.1: 1,541,558 of 1,613,886 alleles (96%); highest among the groups gnomAD compares: East Asian, 100%; 739,691 homozygotes.

Submissions (7):

Labcorp Genetics (formerly Invitae), Labcorp
Classification: Benign. Last evaluated: 2026-02-03. Review status: criteria provided, single submitter. Criteria: Invitae Variant Classification Sherloc (09022015). Collection method: clinical testing. Allele origin: germline.

Molecular Diagnostic Laboratory for Inherited Cardiovascular Disease, Montreal Heart Institute
Classification: Benign. Last evaluated: 2025-04-09. Review status: criteria provided, single submitter. Criteria: ACMG Guidelines, 2015. Collection method: clinical testing. Allele origin: germline. Affected: no.

Blueprint Genetics
Classification: Benign. Last evaluated: 2024-11-27. Review status: criteria provided, single submitter. Criteria: ACMG Guidelines, 2015. Collection method: clinical testing. Allele origin: germline.

Genome-Nilou Lab
Classification: Benign for Combined oxidative phosphorylation defect type 8. Last evaluated: 2021-07-14. Review status: criteria provided, single submitter. Criteria: ACMG Guidelines, 2015. Collection method: clinical testing. Allele origin: germline. Affected: no.

Genome-Nilou Lab
Classification: Benign for Leukoencephalopathy, progressive, with ovarian failure. Last evaluated: 2021-07-14. Review status: criteria provided, single submitter. Criteria: ACMG Guidelines, 2015. Collection method: clinical testing. Allele origin: germline. Affected: no.

Illumina Laboratory Services, Illumina
Classification: Benign for Combined oxidative phosphorylation defect type 8. Last evaluated: 2018-01-13. Review status: criteria provided, single submitter. Criteria: ICSL Variant Classification Criteria 13 December 2019. Collection method: clinical testing. Allele origin: germline.
Comment: This variant was observed in the ICSL laboratory as part of a predisposition screen in an ostensibly healthy population. It had not been previously curated by ICSL or reported in the Human Gene Mutation Database (HGMD: prior to June 1st, 2018), and was therefore a candidate for classification through an automated scoring system. Utilizing variant allele frequency, disease prevalence and penetrance estimates, and inheritance mode, an automated score was calculated to assess if this variant is too frequent to cause the disease. Based on the score and internal cut-off values, a variant classified as benign is not then subjected to further curation. The score for this variant resulted in a classification of benign for this disease.

Mayo Clinic Laboratories, Mayo Clinic
Classification: Benign. Last evaluated: 2016-02-11. Review status: no assertion criteria provided. Collection method: clinical testing. Allele origin: unknown. Not counted in ClinVar's aggregate classification.